The following is an entry in ClinVar:

NM_177438.3(DICER1):c.3209dup (p.Arg1071fs)

Gene: DICER1 (dicer 1, ribonuclease III; minus strand). Cytogenetic location: 14q32.13.
Variant type: Duplication.
Coding change: c.3209dup on transcript NM_177438.3 (MANE Select); coding-DNA position 3209, one base duplicated (T; older notation c.3209dupT).
Protein change: p.Arg1071fs; shifts the reading frame from arginine 1071.
Molecular consequence: frameshift variant. On other transcripts: non-coding transcript variant (6).
Genome position (GRCh38, 1-based): chr14:95,105,131, A duplicated on the plus strand (T on the coding strand, the reverse complement: DICER1 is on the minus strand). VCF-style (leftmost placement, unchanged base first): chr14-95105130-T-TA. GRCh37 (hg19) VCF-style: chr14-95571467-T-TA.
Other names: c.3209dup, p.Arg1071fs (NM_001195573.1, NM_001271282.3, NM_001291628.2 and 12 more transcripts); c.3209dup, p.Arg1071Lysfs (NM_001395681.1); c.2927dup, p.Arg977fs (NM_001395686.1); c.2804dup, p.Arg936fs (NM_001395687.1, NM_001395688.1, NM_001395689.1 and 2 more transcripts); c.2642dup, p.Arg882fs (NM_001395691.1); c.1526dup, p.Arg510fs (NM_001395697.1); c.3209dupT (NM_177438.2); short protein forms R977fs, R1071fs, R510fs, R882fs, R936fs.
Identifiers: ClinVar variation 2132250 (VCV002132250.5), dbSNP rs2542753101, ClinGen allele CA2580089019.

ClinVar aggregate classification (germline): Pathogenic. Review status: criteria provided, multiple submitters, no conflicts (2 of 4 stars). 2 submissions from 2 submitters: Pathogenic (2). Last evaluated 2024-04-25.

Conditions:
DICER1-related tumor predisposition. Also called: DICER1 syndrome; DICER1-related pleuropulmonary blastoma cancer predisposition syndrome. Identifiers: Orphanet 284343, MedGen C3839822, MONDO:0100216.
Hereditary cancer-predisposing syndrome. Also called: Hereditary Cancer Syndrome; Neoplastic Syndromes, Hereditary; Hereditary neoplastic syndrome; Tumor predisposition. Identifiers: Orphanet 140162, MedGen C0027672, MeSH D009386, MONDO:0015356.

Submissions (2):

Ambry Genetics
Classification: Pathogenic for Hereditary cancer-predisposing syndrome. Last evaluated: 2024-04-25. Review status: criteria provided, single submitter. Criteria: Ambry Variant Classification Scheme 2023. Collection method: clinical testing. Allele origin: germline.
Comment: The c.3209dupT pathogenic mutation, located in coding exon 19 of the DICER1 gene, results from a duplication of T at nucleotide position 3209, causing a translational frameshift with a predicted alternate stop codon (p.R1071Kfs*20). This variant is considered to be rare based on population cohorts in the Genome Aggregation Database (gnomAD). This alteration is expected to result in loss of function by premature protein truncation or nonsense-mediated mRNA decay. As such, this alteration is interpreted as a disease-causing mutation.

Labcorp Genetics (formerly Invitae), Labcorp
Classification: Pathogenic for DICER1-related tumor predisposition. Last evaluated: 2023-07-17. Review status: criteria provided, single submitter. Criteria: Invitae Variant Classification Sherloc (09022015). Collection method: clinical testing. Allele origin: germline.
Comment: For these reasons, this variant has been classified as Pathogenic. ClinVar contains an entry for this variant (Variation ID: 2132250). This sequence change creates a premature translational stop signal (p.Arg1071Lysfs*20) in the DICER1 gene. It is expected to result in an absent or disrupted protein product. Loss-of-function variants in DICER1 are known to be pathogenic (PMID: 19556464, 21266384). This variant is not present in population databases (gnomAD no frequency). This variant has not been reported in the literature in individuals affected with DICER1-related conditions.

Literature cited by the submitters: PubMed 19556464 (cited by Labcorp Genetics (formerly Invitae), Labcorp); PubMed 21266384 (cited by Labcorp Genetics (formerly Invitae), Labcorp).